The following is an entry in ClinVar:

ClinVar aggregate classification (germline): Uncertain significance (1 of 4 stars; one submission).

Submission:

Labcorp Genetics (formerly Invitae), Labcorp
Classification: Uncertain significance. Last evaluated: 2024-02-19. Review status: criteria provided, single submitter. Criteria: Invitae Variant Classification Sherloc (09022015). Collection method: clinical testing. Allele origin: germline.
Comment: This sequence change replaces proline, which is neutral and non-polar, with threonine, which is neutral and polar, at codon 704 of the COL27A1 protein (p.Pro704Thr). This variant is not present in population databases (gnomAD no frequency). This variant has not been reported in the literature in individuals affected with COL27A1-related conditions. Advanced modeling of protein sequence and biophysical properties (such as structural, functional, and spatial information, amino acid conservation, physicochemical variation, residue mobility, and thermodynamic stability) performed at Invitae indicates that this missense variant is not expected to disrupt COL27A1 protein function with a negative predictive value of 80%. In summary, the available evidence is currently insufficient to determine the role of this variant in disease. Therefore, it has been classified as a Variant of Uncertain Significance.

NM_032888.4(COL27A1):c.2110C>A (p.Pro704Thr)

Gene: COL27A1 (collagen type XXVII alpha 1 chain; plus strand). Cytogenetic location: 9q32.
Variant type: single nucleotide variant.
Coding change: c.2110C>A on transcript NM_032888.4 (MANE Select); coding-DNA position 2110, C replaced by A.
Protein change: p.Pro704Thr; replaces proline 704 with threonine.
Molecular consequence: missense variant.
Genome position (GRCh38, 1-based): chr9:114,195,998, C>A. VCF-style: chr9-114195998-C-A. GRCh37 (hg19) VCF-style: chr9-116958278-C-A.
Other names: short protein forms P704T.
Identifiers: ClinVar variation 3675253 (VCV003675253.2).